The following is an entry in ClinVar:

NM_005592.4(MUSK):c.1735A>T (p.Arg579Ter)

Gene: MUSK (muscle associated receptor tyrosine kinase; plus strand). Cytogenetic location: 9q31.3.
Variant type: single nucleotide variant.
Coding change: c.1735A>T on transcript NM_005592.4 (MANE Select); coding-DNA position 1735, A replaced by T.
Protein change: p.Arg579Ter; replaces arginine 579 with a stop codon.
Molecular consequence: nonsense.
Genome position (GRCh38, 1-based): chr9:110,785,675, A>T. VCF-style: chr9-110785675-A-T. GRCh37 (hg19) VCF-style: chr9-113547955-A-T.
Other names: c.1477A>T, p.Arg493Ter (NM_001166280.2); c.1447A>T, p.Arg483Ter (NM_001166281.2); c.475A>T, p.Arg159Ter (NM_001369398.1); short protein forms R579*, R159*, R483*, R493*.
Identifiers: ClinVar variation 947675 (VCV000947675.4), dbSNP rs752798426, ClinGen allele CA5184437.

ClinVar aggregate classification (germline): Pathogenic (1 of 4 stars; one submission).

Conditions:
Fetal akinesia deformation sequence 1 (FADS1). Also called: Fetal akinesia sequence; Pena-Shokeir syndrome type I. Identifiers: Orphanet 994, MedGen C1276035, MONDO:0100101, OMIM 208150, HP:0001989.
Congenital myasthenic syndrome 9. Also called: Myasthenic syndrome, congenital, 9, associated with acetylcholine receptor deficiency. Identifiers: Orphanet 590, MedGen C4225368, MONDO:0014587, OMIM 616325.

Allele frequency attached by ClinVar (database versions not stated): gnomAD exomes below 0.00001; TOPMed below 0.00001; ExAC 0.00001.

Submission:

Labcorp Genetics (formerly Invitae), Labcorp
Classification: Pathogenic for Congenital myasthenic syndrome 9; Fetal akinesia deformation sequence 1. Last evaluated: 2025-05-12. Review status: criteria provided, single submitter. Criteria: Invitae Variant Classification Sherloc (09022015). Collection method: clinical testing. Allele origin: germline.
Comment: This sequence change creates a premature translational stop signal (p.Arg579*) in the MUSK gene. It is expected to result in an absent or disrupted protein product. Loss-of-function variants in MUSK are known to be pathogenic (PMID: 8653786, 25612909, 25695962, 25900532). The frequency data for this variant in the population databases is considered unreliable, as metrics indicate poor data quality at this position in the gnomAD database. This variant has not been reported in the literature in individuals affected with MUSK-related conditions. ClinVar contains an entry for this variant (Variation ID: 947675). For these reasons, this variant has been classified as Pathogenic.

Literature cited by the submitters: PubMed 8653786; PubMed 25612909; PubMed 25695962; PubMed 25900532.